The following is an entry in ClinVar:

ClinVar aggregate classification (germline): Likely pathogenic (1 of 4 stars; one submission).

Conditions:
Immunodeficiency 51 (IMD51). Also called: CANDIDIASIS, FAMILIAL, 5. Identifiers: Orphanet 1334, MedGen C4310803, MONDO:0013500, OMIM 613953.

Submission:

Labcorp Genetics (formerly Invitae), Labcorp
Classification: Likely pathogenic for Immunodeficiency 51. Last evaluated: 2024-07-03. Review status: criteria provided, single submitter. Criteria: Invitae Variant Classification Sherloc (09022015). Collection method: clinical testing. Allele origin: germline.
Comment: This sequence change affects a donor splice site in intron 9 of the IL17RA gene. It is expected to disrupt RNA splicing. Variants that disrupt the donor or acceptor splice site typically lead to a loss of protein function (PMID: 16199547), and loss-of-function variants in IL17RA are known to be pathogenic (PMID: 27930337). This variant is not present in population databases (gnomAD no frequency). This variant has not been reported in the literature in individuals affected with IL17RA-related conditions. Algorithms developed to predict the effect of sequence changes on RNA splicing suggest that this variant may disrupt the consensus splice site. In summary, the currently available evidence indicates that the variant is pathogenic, but additional data are needed to prove that conclusively. Therefore, this variant has been classified as Likely Pathogenic.

Literature cited by the submitters: PubMed 16199547; PubMed 27930337.

NM_014339.7(IL17RA):c.931+2T>G

Gene: IL17RA (interleukin 17 receptor A; plus strand). Cytogenetic location: 22q11.1.
Variant type: single nucleotide variant.
Coding change: c.931+2T>G on transcript NM_014339.7 (MANE Select); the canonical splice donor site of the intron after coding-DNA position 931, T replaced by G.
Molecular consequence: splice donor variant.
Genome position (GRCh38, 1-based): chr22:17,104,812, T>G. VCF-style: chr22-17104812-T-G. GRCh37 (hg19) VCF-style: chr22-17585702-T-G.
Other names: c.931+2T>G (NM_001289905.2).
Identifiers: ClinVar variation 3658695 (VCV003658695.2).